The following is an entry in ClinVar:

ClinVar aggregate classification (germline): Pathogenic. Review status: criteria provided, multiple submitters, no conflicts (2 of 4 stars). 9 submissions from 9 submitters: Pathogenic (8). 1 of the submissions does not count toward it. Last evaluated 2025-09-20.

Conditions:
GH1-related disorders.
Inborn genetic diseases. Identifiers: MedGen C0950123, MeSH D030342.
Isolated growth hormone deficiency type IB (IGHD1B). Also called: IGHD 1B; IGHD IB. Identifiers: Orphanet 231671, Orphanet 631, MedGen C2748571, MONDO:0013006, OMIM 612781.
Short stature due to growth hormone qualitative anomaly. Also called: PITUITARY DWARFISM WITH NORMAL IMMUNOREACTIVE GROWTH HORMONE AND LOW SOMATOMEDIN; BIODEFECTIVE GROWTH HORMONE. Identifiers: Orphanet 629, MedGen C1849779, MONDO:0009879, OMIM 262650.
Ateleiotic dwarfism (IGHD1A). Also called: Isolated growth hormone deficiency type 1A; Growth hormone deficiency, isolated autosomal recessive; ILLIG type growth hormone deficiency; Pituitary dwarfism 1; IGHD IA; PITUITARY DWARFISM I. Identifiers: Orphanet 231662, Orphanet 631, MedGen C0342573, MONDO:0009876, OMIM 262400.
Autosomal dominant isolated somatotropin deficiency (IGHD2). Also called: Idiopathic Growth Hormone Deficiency Type II; IGHD II. Identifiers: Orphanet 231679, Orphanet 631, MedGen C0271567, MONDO:0008250, OMIM 173100.

Allele frequency attached by ClinVar (database versions not stated): gnomAD exomes below 0.00001.

Submissions (9):

GeneDx
Classification: Pathogenic. Last evaluated: 2025-09-20. Review status: criteria provided, single submitter. Criteria: GeneDx Variant Classification Process June 2021. Collection method: clinical testing. Allele origin: germline. Affected: yes.
Comment: Published functional studies demonstrate a damaging effect (skipping of exon 3 and loss of amino acid codons 32-71, resulting in decreased cell viability and increased expression of stress response pathways leading to cell apoptosis) (PMID: 23736291, 8530604); Canonical splice site variant predicted to result in an in-frame loss of the adjacent exon in a gene for which loss of function is a known mechanism of disease; Not observed at significant frequency in large population cohorts (gnomAD); This variant is associated with the following publications: (PMID: 10445339, 19837935, 25525159, 10372722, 12720086, 18785993, 22139958, 8530604, 24280736, 36672771, 39435354, 37315542, 23736291, 34850017)

Clinical Genetics Laboratory, Skane University Hospital Lund
Classification: Pathogenic for Autosomal dominant isolated somatotropin deficiency. Last evaluated: 2025-07-10. Review status: criteria provided, single submitter. Criteria: ACMG Guidelines, 2015. Collection method: clinical testing. Allele origin: germline. Affected: yes.
Comment: ACMG criteria used: PVS1_strong, PP1_strong, PP4

Blueprint Genetics
Classification: Pathogenic for GH1-related disorders. Last evaluated: 2024-11-13. Review status: criteria provided, single submitter. Criteria: ACMG Guidelines, 2015. Collection method: clinical testing. Allele origin: germline. Affected: yes. Observed: 2 variant alleles.

Ambry Genetics
Classification: Pathogenic for Inborn genetic diseases. Last evaluated: 2024-04-29. Review status: criteria provided, single submitter. Criteria: Ambry Variant Classification Scheme 2023. Collection method: clinical testing. Allele origin: germline.
Comment: The c.291+1G>A intronic alteration consists of a G to A substitution one nucleotide after exon 3 of the GH1 gene. Alterations that disrupt the canonical splice site are expected to result in aberrant splicing. The exact functional effect of the altered amino acid sequence is unknown. Based on the supporting evidence, this alteration is pathogenic for isolated growth hormone deficiency type II (AD); however, the association of this alteration with isolated growth hormone deficiency type I (AR) is unknown. This variant was not reported in population-based cohorts in the Genome Aggregation Database (gnomAD). This variant has been detected in multiple individuals with isolated growth hormone deficiency type II (AD), including multiple cases of reported de novo occurrence (Halfmeyer, 2022; Saitoh, 1999; Cogan, 1995; Li, 2022; Ambry internal data). This nucleotide position is highly conserved in available vertebrate species. In silico splice site analysis predicts that this alteration will weaken the native splice donor site. Based on the available evidence, this alteration is classified as pathogenic.

3billion
Classification: Pathogenic for Autosomal dominant isolated somatotropin deficiency. Last evaluated: 2023-09-07. Review status: criteria provided, single submitter. Criteria: ACMG Guidelines, 2015. Collection method: clinical testing. Allele origin: germline. Affected: yes.
Comment: The variant is not observed in the gnomAD v2.1.1 dataset. Predicted Consequence/Location: Canonical splice site: predicted to alter splicing and result in a loss or disruption of normal protein function. Multiple pathogenic loss-of-function variants are reported downstream of the variant. Functional studies provide strong evidence of the variant having a damaging effect on the gene or gene product (PMID: 10372722, 12720086, 23736291). The variant has been previously reported as de novo in a similarly affected individual (PMID: 18785993). The variant has been observed in multiple (>3) similarly affected unrelated individuals (PMID: 10445339, 24280736, 8530604). The variant has been reported to co-segregate with the disease in at least 3 similarly affected relatives/individuals in the same family or similarly affected unrelated families (PMID: 24280736, 8530604). The variant has been reported at least twice as pathogenic without evidence for the classification (ClinVar ID: VCV000015970 /PMID: 8530604). Therefore, this variant is classified as Pathogenic according to the recommendation of ACMG/AMP guideline.

Labcorp Genetics (formerly Invitae), Labcorp
Classification: Pathogenic. Last evaluated: 2023-07-12. Review status: criteria provided, single submitter. Criteria: Invitae Variant Classification Sherloc (09022015). Collection method: clinical testing. Allele origin: germline.
Comment: This sequence change affects a donor splice site in intron 3 of the GH1 gene. RNA analysis indicates that disruption of this splice site induces altered splicing and likely results in a shortened protein product. ClinVar contains an entry for this variant (Variation ID: 15970). Disruption of this splice site has been observed in individual(s) with autosomal dominant growth hormone deficiency (PMID: 8530604, 34850017). In at least one individual the variant was observed to be de novo. It has also been observed to segregate with disease in related individuals. This variant is not present in population databases (gnomAD no frequency). Studies have shown that disruption of this splice site results in skipping of exon 3, but is expected to preserve the integrity of the reading-frame (PMID: 8530604). For these reasons, this variant has been classified as Pathogenic.

Mendelics
Classification: Pathogenic for Autosomal dominant isolated somatotropin deficiency. Last evaluated: 2022-05-04. Review status: criteria provided, single submitter. Criteria: Mendelics Assertion Criteria 2019. Collection method: clinical testing. Allele origin: germline.

Fulgent Genetics
Classification: Pathogenic for Autosomal dominant isolated somatotropin deficiency; Ateleiotic dwarfism; Short stature due to growth hormone qualitative anomaly; Isolated growth hormone deficiency type IB. Last evaluated: 2021-08-06. Review status: criteria provided, single submitter. Criteria: ACMG Guidelines, 2015. Collection method: clinical testing. Allele origin: unknown.

OMIM
Classification: Pathogenic for ISOLATED GROWTH HORMONE DEFICIENCY, TYPE II. Last evaluated: 1999-08-01. Review status: no assertion criteria provided. Collection method: literature only. Allele origin: germline. Not counted in ClinVar's aggregate classification.

Literature cited by the submitters: PubMed 8530604 (cited by 4 submitters); PubMed 10445339 (cited by 3 submitters); PubMed 34850017 (cited by Ambry Genetics and Labcorp Genetics (formerly Invitae), Labcorp); PubMed 36672771 (cited by Ambry Genetics); PubMed 24280736 (cited by 3billion); PubMed 10372722 (cited by 3billion and OMIM); PubMed 23736291 (cited by 3billion); PubMed 18785993 (cited by 3billion); PubMed 12720086 (cited by 3billion).

NM_000515.5(GH1):c.291+1G>A

Genes: GH1 (growth hormone 1; minus strand), GH-LCR (growth hormone locus control region; plus strand). Cytogenetic location: 17q23.3.
Variant type: single nucleotide variant.
Coding change: c.291+1G>A on transcript NM_000515.5 (MANE Select); the canonical splice donor site of the intron after coding-DNA position 291, G replaced by A.
Molecular consequence: splice donor variant. On other transcripts: intron variant (1).
Genome position (GRCh38, 1-based): chr17:63,918,016, C>T on the plus strand (G>A on the coding strand, the complement: GH1 is on the minus strand). VCF-style: chr17-63918016-C-T. GRCh37 (hg19) VCF-style: chr17-61995376-C-T.
Other names: IVS3DS, G-A, +1; c.172-92G>A (NM_022560.4); c.246+1G>A (NM_022559.4); c.291+1G>A (NM_000515.3).
Identifiers: ClinVar variation 15970 (VCV000015970.13), dbSNP rs71640277, ClinGen allele CA212963.